The following is an entry in ClinVar:

ClinVar aggregate classification (germline): Conflicting classifications of pathogenicity. Review status: criteria provided, conflicting classifications (1 of 4 stars). 7 submissions from 7 submitters: Uncertain significance (6); Likely benign (1). Last evaluated 2025-05-07.

Conditions:
Inborn genetic diseases. Identifiers: MedGen C0950123, MeSH D030342.
Autosomal recessive nonsyndromic hearing loss 30. Identifiers: Orphanet 90636, MedGen C1846784, MONDO:0011774, OMIM 607101.

Allele frequency attached by ClinVar (database versions not stated): ExAC 0.00006; TOPMed 0.00024; 1000 Genomes Project 30x 0.00031.
gnomAD v4.1: 69 of 1,578,922 alleles (0.0044%); highest among the groups gnomAD compares: African/African-American, 0.082%; 1 homozygote.

Submissions (7):

Labcorp Genetics (formerly Invitae), Labcorp
Classification: Uncertain significance. Last evaluated: 2025-05-07. Review status: criteria provided, single submitter. Criteria: Invitae Variant Classification Sherloc (09022015). Collection method: clinical testing. Allele origin: germline.
Comment: This sequence change replaces arginine, which is basic and polar, with glycine, which is neutral and non-polar, at codon 1523 of the MYO3A protein (p.Arg1523Gly). This variant is present in population databases (rs727504688, gnomAD 0.07%). This variant has not been reported in the literature in individuals affected with MYO3A-related conditions. ClinVar contains an entry for this variant (Variation ID: 179176). An algorithm developed to predict the effect of missense changes on protein structure and function (PolyPhen-2) suggests that this variant is likely to be disruptive. In summary, the available evidence is currently insufficient to determine the role of this variant in disease. Therefore, it has been classified as a Variant of Uncertain Significance.

Ambry Genetics
Classification: Uncertain significance for Inborn genetic diseases. Last evaluated: 2025-04-20. Review status: criteria provided, single submitter. Criteria: Ambry Variant Classification Scheme 2023. Collection method: clinical testing. Allele origin: germline.

Blueprint Genetics
Classification: Uncertain significance. Last evaluated: 2024-09-13. Review status: criteria provided, single submitter. Criteria: ACMG Guidelines, 2015. Collection method: clinical testing. Allele origin: germline.

GeneDx
Classification: Likely benign. Last evaluated: 2021-01-19. Review status: criteria provided, single submitter. Criteria: GeneDx Variant Classification Process June 2021. Collection method: clinical testing. Allele origin: germline. Affected: yes.

Fulgent Genetics
Classification: Uncertain significance for Autosomal recessive nonsyndromic hearing loss 30. Last evaluated: 2018-10-31. Review status: criteria provided, single submitter. Criteria: ACMG Guidelines, 2015. Collection method: clinical testing. Allele origin: unknown.

Eurofins Ntd Llc (ga)
Classification: Uncertain significance. Last evaluated: 2018-09-04. Review status: criteria provided, single submitter. Criteria: EGL ClinVar v180209 classification definitions. Collection method: clinical testing. Allele origin: germline. Observed: 1 variant allele, 1 heterozygote.

Laboratory for Molecular Medicine, Mass General Brigham Personalized Medicine
Classification: Uncertain significance. Last evaluated: 2017-11-27. Review status: criteria provided, single submitter. Criteria: LMM Criteria. Collection method: clinical testing. Allele origin: germline. Observed: 3 variant alleles.
Comment: The p.Arg1523Gly variant in MYO3A has been previously identified by our laborato ry in 2 individuals with hearing loss; however, an alternate explanation of the hearing loss was identified in 1 of these individuals. This variant has also be en identified in 0.07% (16/22738) of African chromosomes by the Genome Aggregati on Database (gnomAD; dbSNP rs727504688). Alth ough this variant has been seen in the general population, its frequency is low enough to be consistent with a recessive carrier frequency. Computational predi ction tools and conservation analysis suggest that the p.Arg1523Gly variant may impact the protein, though this information is not predictive enough to determin e pathogenicity. In summary, the clinical significance of the p.Arg1523Gly varia nt is uncertain. ACMG/AMP Criteria applied: PP3.

NM_017433.5(MYO3A):c.4567C>G (p.Arg1523Gly)

Gene: MYO3A (myosin IIIA; plus strand). Cytogenetic location: 10p12.1.
Variant type: single nucleotide variant.
Coding change: c.4567C>G on transcript NM_017433.5 (MANE Select); coding-DNA position 4567, C replaced by G.
Protein change: p.Arg1523Gly; replaces arginine 1523 with glycine.
Molecular consequence: missense variant.
Genome position (GRCh38, 1-based): chr10:26,201,286, C>G. VCF-style: chr10-26201286-C-G. GRCh37 (hg19) VCF-style: chr10-26490215-C-G.
Other names: short protein forms R1523G.
Identifiers: ClinVar variation 179176 (VCV000179176.19), dbSNP rs727504688, ClinGen allele CA183875.